The following is an entry in ClinVar:

ClinVar aggregate classification (germline): Uncertain significance. Review status: criteria provided, multiple submitters, no conflicts (2 of 4 stars). 2 submissions from 2 submitters: Uncertain significance (2). Last evaluated 2022-09-13.

Conditions:
Sucrase-isomaltase deficiency (CSID). Also called: Deficiency of isomaltase; SI DEFICIENCY; Congenital sucrose isomaltose malabsorption; Sucrose isomaltose enzyme deficiency. Identifiers: Orphanet 35122, MedGen C1283620, MONDO:0009114, OMIM 222900.

Allele frequency attached by ClinVar (database versions not stated): gnomAD exomes below 0.00001 and 0.00003; TOPMed below 0.00001; ExAC 0.00001.
gnomAD v4.1: 42 of 1,606,734 alleles (0.0026%); highest among the groups gnomAD compares: Non-Finnish European, 0.0033%; no homozygotes.

Submissions (2):

Labcorp Genetics (formerly Invitae), Labcorp
Classification: Uncertain significance. Last evaluated: 2022-09-13. Review status: criteria provided, single submitter. Criteria: Invitae Variant Classification Sherloc (09022015). Collection method: clinical testing. Allele origin: germline.
Comment: In summary, the available evidence is currently insufficient to determine the role of this variant in disease. Therefore, it has been classified as a Variant of Uncertain Significance. Advanced modeling of protein sequence and biophysical properties (such as structural, functional, and spatial information, amino acid conservation, physicochemical variation, residue mobility, and thermodynamic stability) has been performed at Invitae for this missense variant, however the output from this modeling did not meet the statistical confidence thresholds required to predict the impact of this variant on SI protein function. ClinVar contains an entry for this variant (Variation ID: 1415745). This variant has not been reported in the literature in individuals affected with SI-related conditions. This variant is present in population databases (rs780055379, gnomAD 0.0009%). This sequence change replaces asparagine, which is neutral and polar, with histidine, which is basic and polar, at codon 523 of the SI protein (p.Asn523His).

Fulgent Genetics
Classification: Uncertain significance for Sucrase-isomaltase deficiency. Last evaluated: 2021-07-07. Review status: criteria provided, single submitter. Criteria: ACMG Guidelines, 2015. Collection method: clinical testing. Allele origin: unknown.

NM_001041.4(SI):c.1567A>C (p.Asn523His)

Gene: SI (sucrase-isomaltase; minus strand). Cytogenetic location: 3q26.1.
Variant type: single nucleotide variant.
Coding change: c.1567A>C on transcript NM_001041.4 (MANE Select); coding-DNA position 1567, A replaced by C.
Protein change: p.Asn523His; replaces asparagine 523 with histidine.
Molecular consequence: missense variant.
Genome position (GRCh38, 1-based): chr3:165,049,821, T>G on the plus strand (A>C on the coding strand, the complement: SI is on the minus strand). VCF-style: chr3-165049821-T-G. GRCh37 (hg19) VCF-style: chr3-164767609-T-G.
Other names: short protein forms N523H.
Identifiers: ClinVar variation 1415745 (VCV001415745.7), dbSNP rs780055379, ClinGen allele CA2691023.